The following is an entry in ClinVar:

ClinVar aggregate classification (germline): Uncertain significance (1 of 4 stars; one submission).

Conditions:
Inborn genetic diseases. Identifiers: MedGen C0950123, MeSH D030342.

Submission:

Ambry Genetics
Classification: Uncertain significance for Inborn genetic diseases. Last evaluated: 2026-07-07. Review status: criteria provided, single submitter. Criteria: Ambry Variant Classification Scheme 2023. Collection method: clinical testing. Allele origin: germline.
Comment: The p.T3904S variant (also known as c.11710A>T), located in coding exon 85 of the RYR1 gene, results from an A to T substitution at nucleotide position 11710. The threonine at codon 3904 is replaced by serine, an amino acid with similar properties. This amino acid position is conserved. In addition, the in silico prediction for this alteration is inconclusive. Based on the available evidence, the clinical significance of this variant remains unclear.

NM_000540.3(RYR1):c.11710A>T (p.Thr3904Ser)

Gene: RYR1 (ryanodine receptor 1; plus strand). Cytogenetic location: 19q13.2.
Variant type: single nucleotide variant.
Coding change: c.11710A>T on transcript NM_000540.3 (MANE Select); coding-DNA position 11710, A replaced by T.
Protein change: p.Thr3904Ser; replaces threonine 3904 with serine.
Molecular consequence: missense variant.
Genome position (GRCh38, 1-based): chr19:38,543,367, A>T. VCF-style: chr19-38543367-A-T. GRCh37 (hg19) VCF-style: chr19-39034007-A-T.
Other names: c.11695A>T, p.Thr3899Ser (NM_001042723.2); short protein forms T3899S, T3904S.
Identifiers: ClinVar variation 5028645 (VCV005028645.1).
Genomic context (GRCh38, chr19:38,543,367, plus strand): 5'-ACATGGGAGGTGCTGGATAAATGACTTTTCATCTCCCCAGATTTCCAGAACTACCTACGG[A>T]CACAGACAGGGAACACGACCACTATTAACATCATCATTTGCACTGTGGACTACCTCCTGC-3'
Protein context (NP_000531.2, residues 3894-3914): HNNDFQNYLR[Thr3904Ser]QTGNTTTINI